The following is an entry in ClinVar:

ClinVar aggregate classification (germline): Uncertain significance (1 of 4 stars; one submission).

Allele frequency attached by ClinVar (database versions not stated): ExAC 0.00002; gnomAD 0.00002; gnomAD exomes 0.00002; TOPMed 0.00002.
gnomAD v4.1: 33 of 1,613,788 alleles (0.002%); highest among the groups gnomAD compares: South Asian, 0.0077%; no homozygotes.

Submission:

Labcorp Genetics (formerly Invitae), Labcorp
Classification: Uncertain significance. Last evaluated: 2024-11-25. Review status: criteria provided, single submitter. Criteria: Invitae Variant Classification Sherloc (09022015). Collection method: clinical testing. Allele origin: germline.
Comment: This sequence change replaces threonine, which is neutral and polar, with methionine, which is neutral and non-polar, at codon 671 of the ZCCHC8 protein (p.Thr671Met). This variant is present in population databases (rs755439188, gnomAD 0.006%). This variant has not been reported in the literature in individuals affected with ZCCHC8-related conditions. ClinVar contains an entry for this variant (Variation ID: 2721920). Invitae Evidence Modeling of protein sequence and biophysical properties (such as structural, functional, and spatial information, amino acid conservation, physicochemical variation, residue mobility, and thermodynamic stability) indicates that this missense variant is expected to disrupt ZCCHC8 protein function with a positive predictive value of 80%. In summary, the available evidence is currently insufficient to determine the role of this variant in disease. Therefore, it has been classified as a Variant of Uncertain Significance.

NM_017612.5(ZCCHC8):c.2012C>T (p.Thr671Met)

Gene: ZCCHC8 (zinc finger CCHC-type containing 8; minus strand). Cytogenetic location: 12q24.31.
Variant type: single nucleotide variant.
Coding change: c.2012C>T on transcript NM_017612.5 (MANE Select); coding-DNA position 2012, C replaced by T.
Protein change: p.Thr671Met; replaces threonine 671 with methionine.
Molecular consequence: missense variant.
Genome position (GRCh38, 1-based): chr12:122,473,609, G>A on the plus strand (C>T on the coding strand, the complement: ZCCHC8 is on the minus strand). VCF-style: chr12-122473609-G-A. GRCh37 (hg19) VCF-style: chr12-122958156-G-A.
Other names: c.1781C>T, p.Thr594Met (NM_001350935.2); c.1715C>T, p.Thr572Met (NM_001350936.2); c.1298C>T, p.Thr433Met (NM_001350937.2, NM_001350938.2); short protein forms T572M, T433M, T594M, T671M.
Identifiers: ClinVar variation 2721920 (VCV002721920.3), dbSNP rs755439188, ClinGen allele CA6846055.